The following is an entry in ClinVar:

ClinVar aggregate classification (germline): Pathogenic/Likely pathogenic. Review status: criteria provided, multiple submitters, no conflicts (2 of 4 stars). 7 submissions from 7 submitters: Pathogenic (2); Likely pathogenic (4). 1 of the submissions does not count toward it. Last evaluated 2025-05-14.

Conditions:
Usher syndrome. Also called: Usher Syndromes; Usher's syndrome. Identifiers: Orphanet 886, MedGen CN469326, MeSH D052245, MONDO:0019501. Disease mechanism: loss of function.
Usher syndrome type 1 (USH1). Also called: RETINITIS PIGMENTOSA AND CONGENITAL DEAFNESS. Identifiers: Orphanet 231169, Orphanet 886, MedGen C1568247, MONDO:0010168, OMIM 276900.
Autosomal recessive nonsyndromic hearing loss 2. Also called: DEAFNESS, AUTOSOMAL RECESSIVE 2; NEUROSENSORY NONSYNDROMIC RECESSIVE DEAFNESS 2. Identifiers: Orphanet 90636, MedGen C1838701, MONDO:0010807, OMIM 600060.
Autosomal dominant nonsyndromic hearing loss 11. Identifiers: Orphanet 90635, MedGen C1832475, MONDO:0011032, OMIM 601317.
Usher syndrome type 1B (USH1B). Also called: Usher syndrome type IB. Identifiers: MedGen C1848638, MONDO:0700087.
MYO7A-related disorder. Also called: MYO7A-related disorders.

Allele frequency attached by ClinVar (database versions not stated): gnomAD 0.00001; gnomAD exomes 0.00001; TOPMed 0.00002.
gnomAD v4.1: 13 of 1,613,950 alleles (0.00081%); highest among the groups gnomAD compares: East Asian, 0.0045%; no homozygotes.

Submissions (7):

GeneDx
Classification: Likely pathogenic. Last evaluated: 2025-05-14. Review status: criteria provided, single submitter. Criteria: GeneDx Variant Classification Process June 2021. Collection method: clinical testing. Allele origin: germline. Affected: yes.
Comment: Not observed at significant frequency in large population cohorts (gnomAD); In silico analysis supports that this missense variant has a deleterious effect on protein structure/function; This variant is associated with the following publications: (PMID: 28041643, 32795431, 32581362, 34599366, 38594301, 38219857, 37811145, 26791358, 38374469)

Natera, Inc.
Classification: Likely pathogenic for Usher syndrome type 1B. Last evaluated: 2024-06-22. Review status: criteria provided, single submitter. Criteria: Natera Variant Classification Schema (03/2026). Collection method: clinical testing. Allele origin: germline.
Comment: The c.6551C>T variant in MYO7A is a missense variant predicted to cause substitution of threonine to methionine at amino acid 2184. This variant is rare in the general population with a frequency below the threshold expected for the associated phenotype(s). This variant has been observed in one or more individuals affected with the associated recessive disease, as either homozygous or compound heterozygous with a second variant (PMID: 26791358). Additionally, this variant has been observed to segregate in affected family members (PMID: 26791358). Computational prediction algorithms indicate this variant is likely to affect gene or protein function. Given the available evidence, this variant is classified as Likely Pathogenic.

Fulgent Genetics
Classification: Likely pathogenic for Usher syndrome type 1; Autosomal recessive nonsyndromic hearing loss 2; Autosomal dominant nonsyndromic hearing loss 11. Last evaluated: 2024-03-08. Review status: criteria provided, single submitter. Criteria: ACMG Guidelines, 2015. Collection method: clinical testing. Allele origin: germline.

Women's Health and Genetics/Laboratory Corporation of America, LabCorp
Classification: Likely pathogenic for Usher syndrome. Last evaluated: 2024-03-07. Review status: criteria provided, single submitter. Criteria: LabCorp Variant Classification Summary - May 2015. Collection method: clinical testing. Allele origin: germline.
Comment: Variant summary: MYO7A c.6551C>T (p.Thr2184Met) results in a non-conservative amino acid change located in the FERM domain (IPR000299) of the encoded protein sequence. Five of five in-silico tools predict a damaging effect of the variant on protein function. The variant was absent in 248994 control chromosomes (gnomAD). c.6551C>T has been reported in the literature in individuals affected with Usher syndrome or non-syndromic hearing loss who were compound heterozygous with other pathogenic/likely pathogenic variants (e.g. Yoshimura_2016, Carss_2017, Imizcoz_2023). These data indicate that the variant is likely to be associated with disease. To our knowledge, no experimental evidence demonstrating an impact on protein function has been reported. The following publications have been ascertained in the context of this evaluation (PMID: 28041643, 26791358, 32581362, 32795431, 37811145). ClinVar contains an entry for this variant (Variation ID: 438179). Based on the evidence outlined above, the variant was classified as likely pathogenic.

Blueprint Genetics
Classification: Pathogenic for MYO7A-related disorders. Last evaluated: 2024-01-12. Review status: criteria provided, single submitter. Criteria: ACMG Guidelines, 2015. Collection method: clinical testing. Allele origin: germline. Affected: yes. Observed: 2 variant alleles.

Labcorp Genetics (formerly Invitae), Labcorp
Classification: Pathogenic. Last evaluated: 2023-07-18. Review status: criteria provided, single submitter. Criteria: Invitae Variant Classification Sherloc (09022015). Collection method: clinical testing. Allele origin: germline.
Comment: Advanced modeling of protein sequence and biophysical properties (such as structural, functional, and spatial information, amino acid conservation, physicochemical variation, residue mobility, and thermodynamic stability) performed at Invitae indicates that this missense variant is expected to disrupt MYO7A protein function. For these reasons, this variant has been classified as Pathogenic. ClinVar contains an entry for this variant (Variation ID: 438179). This missense change has been observed in individual(s) with autosomal recessive deafness and/or autosomal recessive Usher syndrome (PMID: 26791358, 28041643). In at least one individual the data is consistent with being in trans (on the opposite chromosome) from a pathogenic variant. This variant is not present in population databases (gnomAD no frequency). This sequence change replaces threonine, which is neutral and polar, with methionine, which is neutral and non-polar, at codon 2184 of the MYO7A protein (p.Thr2184Met).

NIHR Bioresource Rare Diseases, University of Cambridge
Classification: Likely pathogenic for Usher syndrome. Last evaluated: 2015-01-01. Review status: no assertion criteria provided. Collection method: research. Allele origin: unknown. Affected: yes. Observed: 1 variant allele. Not counted in ClinVar's aggregate classification.

Literature cited by the submitters: PubMed 26791358 (cited by 3 submitters); PubMed 28041643 (cited by 3 submitters); PubMed 32581362 (cited by Women's Health and Genetics/Laboratory Corporation of America, LabCorp); PubMed 32795431 (cited by Women's Health and Genetics/Laboratory Corporation of America, LabCorp); PubMed 37811145 (cited by Women's Health and Genetics/Laboratory Corporation of America, LabCorp).

NM_000260.4(MYO7A):c.6551C>T (p.Thr2184Met)

Gene: MYO7A (myosin VIIA; plus strand). Cytogenetic location: 11q13.5.
Variant type: single nucleotide variant.
Coding change: c.6551C>T on transcript NM_000260.4 (MANE Select); coding-DNA position 6551, C replaced by T.
Protein change: p.Thr2184Met; replaces threonine 2184 with methionine.
Molecular consequence: missense variant.
Genome position (GRCh38, 1-based): chr11:77,213,972, C>T. VCF-style: chr11-77213972-C-T. GRCh37 (hg19) VCF-style: chr11-76925017-C-T.
Other names: c.6431C>T, p.Thr2144Met (NM_001127180.2); c.6404C>T, p.Thr2135Met (NM_001369365.1); short protein forms T2184M, T2144M, T2135M.
Identifiers: ClinVar variation 438179 (VCV000438179.15), dbSNP rs1383147250, ClinGen allele CA381938356.